The following is an entry in ClinVar:

NM_001128840.3(CACNA1D):c.3739G>T (p.Val1247Leu)

Gene: CACNA1D (calcium voltage-gated channel subunit alpha1 D; plus strand). Cytogenetic location: 3p21.1.
Variant type: single nucleotide variant.
Coding change: c.3739G>T on transcript NM_001128840.3 (MANE Select); coding-DNA position 3739, G replaced by T.
Protein change: p.Val1247Leu; replaces valine 1247 with leucine.
Molecular consequence: missense variant.
Genome position (GRCh38, 1-based): chr3:53,753,635, G>T. VCF-style: chr3-53753635-G-T. GRCh37 (hg19) VCF-style: chr3-53787662-G-T.
Other names: c.3799G>T, p.Val1267Leu (NM_000720.4); c.3739G>T, p.Val1247Leu (NM_001128839.3); short protein forms V1247L, V1267L.
Identifiers: ClinVar variation 1203739 (VCV001203739.9), dbSNP rs754732747, ClinGen allele CA2454660.

ClinVar aggregate classification (germline): Conflicting classifications of pathogenicity. Review status: criteria provided, conflicting classifications (1 of 4 stars). 3 submissions from 3 submitters: Uncertain significance (1); Likely benign (2). Last evaluated 2026-01-04.

Conditions:
Inborn genetic diseases. Identifiers: MedGen C0950123, MeSH D030342.

Allele frequency attached by ClinVar (database versions not stated): gnomAD 0.00003; gnomAD exomes 0.00005 and 0.00009; ExAC 0.00012; 1000 Genomes Project 30x 0.00016.
gnomAD v4.1: 76 of 1,613,860 alleles (0.0047%); highest among the groups gnomAD compares: South Asian, 0.074%; 1 homozygote.

Submissions (3):

Labcorp Genetics (formerly Invitae), Labcorp
Classification: Likely benign. Last evaluated: 2026-01-04. Review status: criteria provided, single submitter. Criteria: Invitae Variant Classification Sherloc (09022015). Collection method: clinical testing. Allele origin: germline.

Ambry Genetics
Classification: Uncertain significance for Inborn genetic diseases. Last evaluated: 2024-07-02. Review status: criteria provided, single submitter. Criteria: Ambry Variant Classification Scheme 2023. Collection method: clinical testing. Allele origin: germline.

GeneDx
Classification: Likely benign. Last evaluated: 2019-02-27. Review status: criteria provided, single submitter. Criteria: GeneDx Variant Classification Process June 2021. Collection method: clinical testing. Allele origin: germline. Affected: yes.
Comment: In silico analysis, which includes protein predictors and evolutionary conservation, supports that this variant does not alter protein structure/function